The following is an entry in ClinVar:

NM_004153.4(ORC1):c.540A>C (p.Gln180His)

Gene: ORC1 (origin recognition complex subunit 1; minus strand). Cytogenetic location: 1p32.3.
Variant type: single nucleotide variant.
Coding change: c.540A>C on transcript NM_004153.4 (MANE Select); coding-DNA position 540, A replaced by C.
Protein change: p.Gln180His; replaces glutamine 180 with histidine.
Molecular consequence: missense variant.
Genome position (GRCh38, 1-based): chr1:52,396,227, T>G on the plus strand (A>C on the coding strand, the complement: ORC1 is on the minus strand). VCF-style: chr1-52396227-T-G. GRCh37 (hg19) VCF-style: chr1-52861899-T-G.
Other names: c.540A>C, p.Gln180His (NM_001190818.2, NM_001190819.2); short protein forms Q180H.
Identifiers: ClinVar variation 445694 (VCV000445694.19), dbSNP rs3087482, ClinGen allele CA853567.

ClinVar aggregate classification (germline): Benign. Review status: criteria provided, multiple submitters, no conflicts (2 of 4 stars). 4 submissions from 4 submitters: Benign (4). Last evaluated 2026-01-27.

Conditions:
Meier-Gorlin syndrome 1 (MGORS1). Also called: EAR, PATELLA, SHORT STATURE SYNDROME. Identifiers: Orphanet 2554, MedGen C4552001, MONDO:0009143, OMIM 224690.

Allele frequency attached by ClinVar (database versions not stated): ExAC 0.00413; 1000 Genomes Project 0.01198; gnomAD 0.01211 and 0.01286; TOPMed 0.01293; 1000 Genomes Project 30x 0.01374; ESP Exome Variant Server 0.01599.
gnomAD v4.1: 3,533 of 1,614,158 alleles (0.22%); highest among the groups gnomAD compares: African/African-American, 4.3%; 78 homozygotes.

Submissions (4):

Labcorp Genetics (formerly Invitae), Labcorp
Classification: Benign. Last evaluated: 2026-01-27. Review status: criteria provided, single submitter. Criteria: Invitae Variant Classification Sherloc (09022015). Collection method: clinical testing. Allele origin: germline.

Illumina Laboratory Services, Illumina
Classification: Benign for Meier-Gorlin syndrome 1. Last evaluated: 2018-01-13. Review status: criteria provided, single submitter. Criteria: ICSL Variant Classification Criteria 13 December 2019. Collection method: clinical testing. Allele origin: germline.
Comment: This variant was observed in the ICSL laboratory as part of a predisposition screen in an ostensibly healthy population. It had not been previously curated by ICSL or reported in the Human Gene Mutation Database (HGMD: prior to June 1st, 2018), and was therefore a candidate for classification through an automated scoring system. Utilizing variant allele frequency, disease prevalence and penetrance estimates, and inheritance mode, an automated score was calculated to assess if this variant is too frequent to cause the disease. Based on the score and internal cut-off values, a variant classified as benign is not then subjected to further curation. The score for this variant resulted in a classification of benign for this disease.

Center for Pediatric Genomic Medicine, Children's Mercy Hospital and Clinics
Classification: Benign. Last evaluated: 2017-05-08. Review status: criteria provided, single submitter. Criteria: ACMG Guidelines, 2015. Collection method: clinical testing. Allele origin: germline.

Breakthrough Genomics
Classification: Benign. Review status: criteria provided, single submitter. Criteria: ACMG Guidelines, 2015. Collection method: not provided. Allele origin: germline. Inheritance: Autosomal recessive inheritance. Affected: yes.